The following is an entry in ClinVar:

ClinVar aggregate classification (germline): Uncertain significance (1 of 4 stars; one submission).

Submission:

Dasa
Classification: Uncertain significance. Last evaluated: 2025-11-26. Review status: criteria provided, single submitter. Criteria: DASA Assertion Criteria. Collection method: clinical testing. Allele origin: germline.
Comment: NM_002427.4(MMP13):c.510G>A (p.Lys170=) is a synonymous variant predicted not to alter the encoded amino acid sequence. This variant is rare in population databases. Computational prediction algorithms are consistent with a benign effect. The currently available literature and clinical evidence are not sufficient to establish a definitive association between this variant and the reported condition. Therefore, this variant is classified as a variant of uncertain significance.

NM_002427.4(MMP13):c.510G>A (p.Lys170=)

Gene: MMP13 (matrix metallopeptidase 13; minus strand). Cytogenetic location: 11q22.2.
Variant type: single nucleotide variant.
Coding change: c.510G>A on transcript NM_002427.4 (MANE Select); coding-DNA position 510, G replaced by A.
Protein change: p.Lys170=; no amino-acid change (lysine 170 retained).
Molecular consequence: synonymous variant.
Genome position (GRCh38, 1-based): chr11:102,954,459, C>T on the plus strand (G>A on the coding strand, the complement: MMP13 is on the minus strand). VCF-style: chr11-102954459-C-T. GRCh37 (hg19) VCF-style: chr11-102825188-C-T.
Identifiers: ClinVar variation 4882696 (VCV004882696.2).